The following is an entry in ClinVar:

ClinVar aggregate classification (germline): Uncertain significance (1 of 4 stars; one submission).

gnomAD v4.1: 5 of 1,613,894 alleles (0.00031%); highest among the groups gnomAD compares: Middle Eastern, 0.016%; no homozygotes.

Submission:

Labcorp Genetics (formerly Invitae), Labcorp
Classification: Uncertain significance. Last evaluated: 2024-04-06. Review status: criteria provided, single submitter. Criteria: Invitae Variant Classification Sherloc (09022015). Collection method: clinical testing. Allele origin: germline.
Comment: This sequence change replaces methionine, which is neutral and non-polar, with valine, which is neutral and non-polar, at codon 339 of the TAOK2 protein (p.Met339Val). This variant is present in population databases (rs371958190, gnomAD 0.002%). This variant has not been reported in the literature in individuals affected with TAOK2-related conditions. An algorithm developed to predict the effect of missense changes on protein structure and function (PolyPhen-2) suggests that this variant is likely to be tolerated. In summary, the available evidence is currently insufficient to determine the role of this variant in disease. Therefore, it has been classified as a Variant of Uncertain Significance.

NM_016151.4(TAOK2):c.1015A>G (p.Met339Val)

Gene: TAOK2 (TAO kinase 2; plus strand). Cytogenetic location: 16p11.2.
Variant type: single nucleotide variant.
Coding change: c.1015A>G on transcript NM_016151.4 (MANE Select); coding-DNA position 1015, A replaced by G.
Protein change: p.Met339Val; replaces methionine 339 with valine.
Molecular consequence: missense variant.
Genome position (GRCh38, 1-based): chr16:29,983,087, A>G. VCF-style: chr16-29983087-A-G. GRCh37 (hg19) VCF-style: chr16-29994408-A-G.
Other names: c.1015A>G, p.Met339Val (NM_001252043.2, NM_004783.4); short protein forms M339V.
Identifiers: ClinVar variation 3632660 (VCV003632660.2).